The following is an entry in ClinVar:

NM_015107.3(PHF8):c.765C>T (p.Val255=)

Gene: PHF8 (PHD finger protein 8; minus strand). Cytogenetic location: Xp11.22.
Variant type: single nucleotide variant.
Coding change: c.765C>T on transcript NM_015107.3 (MANE Select); coding-DNA position 765, C replaced by T.
Protein change: p.Val255=; no amino-acid change (valine 255 retained).
Molecular consequence: synonymous variant.
Genome position (GRCh38, 1-based): chrX:54,014,395, G>A on the plus strand (C>T on the coding strand, the complement: PHF8 is on the minus strand). VCF-style: chrX-54014395-G-A. GRCh37 (hg19) VCF-style: chrX-54040828-G-A.
Other names: c.873C>T, p.Val291= (NM_001184896.1); c.765C>T, p.Val255= (NM_001184897.2, NM_001184898.2).
Identifiers: ClinVar variation 2660650 (VCV002660650.24), dbSNP rs2066029413, ClinGen allele CA516565232.

ClinVar aggregate classification (germline): Likely benign (1 of 4 stars; one submission).

Allele frequency attached by ClinVar (database versions not stated): TOPMed below 0.00001; gnomAD exomes 0.00001.
gnomAD v4.1: 7 of 1,208,371 alleles (0.00058%); highest among the groups gnomAD compares: Non-Finnish European, 0.00067%; no homozygotes.

Submission:

CeGaT Center for Human Genetics Tuebingen
Classification: Likely benign. Last evaluated: 2022-06-01. Review status: criteria provided, single submitter. Criteria: CeGaT Center For Human Genetics Tuebingen Variant Classification Criteria Version 2. Collection method: clinical testing. Allele origin: germline. Affected: yes. Observed: 1 variant allele.
Comment: PHF8: PM2:Supporting, BP4, BP7